The following is an entry in ClinVar:

ClinVar aggregate classification (germline): Conflicting classifications of pathogenicity. Review status: criteria provided, conflicting classifications (1 of 4 stars). 7 submissions from 6 submitters: Uncertain significance (6); Likely benign (1). Last evaluated 2026-06-11.

Conditions:
ATR-related disorder. Also called: ATR-related condition.
Inborn genetic diseases. Identifiers: MedGen C0950123, MeSH D030342.
Familial cutaneous telangiectasia and oropharyngeal predisposition cancer syndrome. Identifiers: Orphanet 313846, MedGen C3281203, MONDO:0013806, OMIM 614564.
Seckel syndrome 1 (SCKL1). Also called: MICROCEPHALIC PRIMORDIAL DWARFISM I. Identifiers: Orphanet 808, MedGen C4551474, MONDO:0008869, OMIM 210600.

Allele frequency attached by ClinVar (database versions not stated): 1000 Genomes Project 30x 0.00031; 1000 Genomes Project 0.00040; gnomAD 0.00041 and 0.00042; TOPMed 0.00041; ESP Exome Variant Server 0.00046; gnomAD exomes 0.00005 and 0.00007; ExAC 0.00009.
gnomAD v4.1: 136 of 1,613,468 alleles (0.0084%); highest among the groups gnomAD compares: African/African-American, 0.12%; no homozygotes.

Submissions (7):

Women's Health and Genetics/Laboratory Corporation of America, LabCorp
Classification: Uncertain significance. Last evaluated: 2026-06-11. Review status: criteria provided, single submitter. Criteria: LabCorp Variant Classification Summary - May 2015. Collection method: clinical testing. Allele origin: germline.
Comment: Variant summary: ATR c.4615G>A (p.Gly1539Ser) results in a non-conservative amino acid change in the encoded protein sequence. Algorithms developed to predict the effect of missense changes on protein structure and function are either unavailable or do not agree on the potential impact of this missense change. The variant allele was found at a frequency of 7.2e-05 in 251292 control chromosomes. This frequency is not significantly higher than estimated for disease-causing variants in ATR, allowing no conclusion about variant significance. To our knowledge, no occurrence of c.4615G>A in individuals affected with ATR-related conditions and no experimental evidence demonstrating its impact on protein function have been reported. ClinVar contains an entry for this variant (Variation ID: 970736). Based on the evidence outlined above, the variant was classified as uncertain significance.

Ambry Genetics
Classification: Likely benign for Inborn genetic diseases. Last evaluated: 2024-01-24. Review status: criteria provided, single submitter. Criteria: Ambry Variant Classification Scheme 2023. Collection method: clinical testing. Allele origin: germline.

Labcorp Genetics (formerly Invitae), Labcorp
Classification: Uncertain significance. Last evaluated: 2024-01-07. Review status: criteria provided, single submitter. Criteria: Invitae Variant Classification Sherloc (09022015). Collection method: clinical testing. Allele origin: germline.
Comment: This sequence change replaces glycine, which is neutral and non-polar, with serine, which is neutral and polar, at codon 1539 of the ATR protein (p.Gly1539Ser). This variant is present in population databases (rs138350940, gnomAD 0.1%). This variant has not been reported in the literature in individuals affected with ATR-related conditions. ClinVar contains an entry for this variant (Variation ID: 970736). An algorithm developed to predict the effect of missense changes on protein structure and function (PolyPhen-2) suggests that this variant is likely to be disruptive. In summary, the available evidence is currently insufficient to determine the role of this variant in disease. Therefore, it has been classified as a Variant of Uncertain Significance.

PreventionGenetics, part of Exact Sciences
Classification: Uncertain significance for ATR-related condition. Last evaluated: 2023-08-31. Review status: criteria provided, single submitter. Criteria: ACMG Guidelines, 2015. Collection method: clinical testing. Allele origin: germline.
Comment: The ATR c.4615G>A variant is predicted to result in the amino acid substitution p.Gly1539Ser. To our knowledge, this variant has not been reported in the literature. This variant is reported in 0.12% of alleles in individuals of African descent in gnomAD, which may be too common to be a primary cause of disease. Although we suspect that this variant may be benign, at this time, the clinical significance of this variant is uncertain due to the absence of conclusive functional and genetic evidence.

Genome-Nilou Lab
Classification: Uncertain significance for Seckel syndrome 1. Last evaluated: 2023-02-08. Review status: criteria provided, single submitter. Criteria: ACMG Guidelines, 2015. Collection method: clinical testing. Allele origin: germline.

Genome-Nilou Lab
Classification: Uncertain significance for Familial cutaneous telangiectasia and oropharyngeal predisposition cancer syndrome. Last evaluated: 2023-02-08. Review status: criteria provided, single submitter. Criteria: ACMG Guidelines, 2015. Collection method: clinical testing. Allele origin: germline.

Fulgent Genetics
Classification: Uncertain significance for Seckel syndrome 1; Familial cutaneous telangiectasia and oropharyngeal predisposition cancer syndrome. Last evaluated: 2021-08-06. Review status: criteria provided, single submitter. Criteria: ACMG Guidelines, 2015. Collection method: clinical testing. Allele origin: unknown.

Literature cited by the submitters: PubMed 28518168 (cited by Ambry Genetics); PubMed 32461654 (cited by Ambry Genetics).

NM_001184.4(ATR):c.4615G>A (p.Gly1539Ser)

Gene: ATR (ATR checkpoint kinase; minus strand). Cytogenetic location: 3q23.
Variant type: single nucleotide variant.
Coding change: c.4615G>A on transcript NM_001184.4 (MANE Select); coding-DNA position 4615, G replaced by A.
Protein change: p.Gly1539Ser; replaces glycine 1539 with serine.
Molecular consequence: missense variant.
Genome position (GRCh38, 1-based): chr3:142,513,527, C>T on the plus strand (G>A on the coding strand, the complement: ATR is on the minus strand). VCF-style: chr3-142513527-C-T. GRCh37 (hg19) VCF-style: chr3-142232369-C-T.
Other names: c.4423G>A, p.Gly1475Ser (NM_001354579.2); short protein forms G1475S, G1539S.
Identifiers: ClinVar variation 970736 (VCV000970736.13), dbSNP rs138350940, ClinGen allele CA2649809.
Genomic context (GRCh38, chr3:142,513,527, plus strand): 5'-ATGTTCAAAAACCAAGTAAGATGATTTATCTCACCTCCTGCTGATCTTCTTGATTACAAC[C>T]CAGTAAGACATACACCAGAATATGTGGAAGAAGATAGATGGTCACTTTGAAATCATGCTT-3'
Protein context (NP_001175.2, residues 1529-1549): LPHILVYVLL[Gly1539Ser]CNQEDQQEVY